The following is an entry in ClinVar:

NM_001347721.2(DYRK1A):c.489+9A>G

Gene: DYRK1A (dual specificity tyrosine phosphorylation regulated kinase 1A; plus strand). Cytogenetic location: 21q22.13.
Variant type: single nucleotide variant.
Coding change: c.489+9A>G on transcript NM_001347721.2 (MANE Select); 9 bases into the intron after coding-DNA position 489, A replaced by G.
Molecular consequence: intron variant.
Genome position (GRCh38, 1-based): chr21:37,480,835, A>G. VCF-style: chr21-37480835-A-G. GRCh37 (hg19) VCF-style: chr21-38853137-A-G.
Other names: c.516+9A>G (NM_001396.5, NM_101395.2, NM_130438.2); c.489+9A>G (NM_001347722.2, NM_130436.2); c.402+9A>G (NM_001347723.2).
Identifiers: ClinVar variation 210897 (VCV000210897.18), dbSNP rs187936450, ClinGen allele CA278550.

ClinVar aggregate classification (germline): Benign/Likely benign. Review status: criteria provided, multiple submitters, no conflicts (2 of 4 stars). 5 submissions from 5 submitters: Benign (2); Likely benign (3). Last evaluated 2026-02-03.

Conditions:
DYRK1A-related intellectual disability syndrome (MRD7). Also called: DYRK1A Syndrome; Intellectual developmental disorder, autosomal dominant 7. Identifiers: Orphanet 464306, MedGen C5568143, MONDO:0013578, OMIM 614104.

Allele frequency attached by ClinVar (database versions not stated): gnomAD exomes 0.00009 and 0.00050; gnomAD 0.00010 and 0.00013; TOPMed 0.00036; 1000 Genomes Project 0.00040; 1000 Genomes Project 30x 0.00047; ExAC 0.00047.
gnomAD v4.1: 147 of 1,572,694 alleles (0.0093%); highest among the groups gnomAD compares: Admixed American, 0.28%; 1 homozygote.

Submissions (5):

Labcorp Genetics (formerly Invitae), Labcorp
Classification: Benign for DYRK1A-related intellectual disability syndrome. Last evaluated: 2026-02-03. Review status: criteria provided, single submitter. Criteria: Invitae Variant Classification Sherloc (09022015). Collection method: clinical testing. Allele origin: germline.

Blueprint Genetics
Classification: Likely benign. Last evaluated: 2024-09-10. Review status: criteria provided, single submitter. Criteria: ACMG Guidelines, 2015. Collection method: clinical testing. Allele origin: germline.

Athena Diagnostics
Classification: Benign. Last evaluated: 2018-04-27. Review status: criteria provided, single submitter. Criteria: Athena Diagnostics Criteria. Collection method: clinical testing. Allele origin: germline.

GeneDx
Classification: Likely benign. Last evaluated: 2017-11-16. Review status: criteria provided, single submitter. Criteria: GeneDx Variant Classification (06012015). Collection method: clinical testing. Allele origin: germline. Affected: yes.
Comment: This variant is considered likely benign or benign based on one or more of the following criteria: it is a conservative change, it occurs at a poorly conserved position in the protein, it is predicted to be benign by multiple in silico algorithms, and/or has population frequency not consistent with disease.

Genetic Services Laboratory, University of Chicago
Classification: Likely benign. Last evaluated: 2015-02-09. Review status: criteria provided, single submitter. Criteria: ACMG Guidelines, 2015. Collection method: clinical testing. Allele origin: germline.